The following is an entry in ClinVar:

NM_001367624.2(ZNF469):c.9845C>T (p.Pro3282Leu)

Gene: ZNF469 (zinc finger protein 469; plus strand). Cytogenetic location: 16q24.2.
Variant type: single nucleotide variant.
Coding change: c.9845C>T on transcript NM_001367624.2 (MANE Select); coding-DNA position 9845, C replaced by T.
Protein change: p.Pro3282Leu; replaces proline 3282 with leucine.
Molecular consequence: missense variant.
Genome position (GRCh38, 1-based): chr16:88,437,315, C>T. VCF-style: chr16-88437315-C-T. GRCh37 (hg19) VCF-style: chr16-88503723-C-T.
Other names: NM_001127464.1:c.9761C>T; short protein forms P3282L.
Identifiers: ClinVar variation 1768118 (VCV001768118.8), dbSNP rs532698360, ClinGen allele CA8225457.
Genomic context (GRCh38, chr16:88,437,315, plus strand): 5'-CCAAGAAAGACAGCCCGGGCGAGAGGGCGAAACCCCGGGCACGCAGCACCCCCAGCAACC[C>T]AGACGGGGCCGCGACCCCAGACAGCGCCTCTGCCACCGCCCTGGCTGACGCCGGCAGCCC-3'
Protein context (NP_001354553.1, residues 3272-3292): KPRARSTPSN[Pro3282Leu]DGAATPDSAS

ClinVar aggregate classification (germline): Uncertain significance. Review status: criteria provided, multiple submitters, no conflicts (2 of 4 stars). 2 submissions from 2 submitters: Uncertain significance (2). Last evaluated 2023-08-04.

Conditions:
Cardiovascular phenotype. Identifiers: MedGen CN230736.

Allele frequency attached by ClinVar (database versions not stated): gnomAD exomes below 0.00001; gnomAD 0.00005; TOPMed 0.00006; 1000 Genomes Project 0.00040; 1000 Genomes Project 30x 0.00062.
gnomAD v4.1: 13 of 1,547,438 alleles (0.00084%); highest among the groups gnomAD compares: African/African-American, 0.016%; no homozygotes.

Submissions (2):

Labcorp Genetics (formerly Invitae), Labcorp
Classification: Uncertain significance. Last evaluated: 2023-08-04. Review status: criteria provided, single submitter. Criteria: Invitae Variant Classification Sherloc (09022015). Collection method: clinical testing. Allele origin: germline.
Comment: An algorithm developed to predict the effect of missense changes on protein structure and function (PolyPhen-2) suggests that this variant is likely to be tolerated. In summary, the available evidence is currently insufficient to determine the role of this variant in disease. Therefore, it has been classified as a Variant of Uncertain Significance. ClinVar contains an entry for this variant (Variation ID: 1768118). This variant has not been reported in the literature in individuals affected with ZNF469-related conditions. This variant is present in population databases (rs532698360, gnomAD 0.02%). This sequence change replaces proline, which is neutral and non-polar, with leucine, which is neutral and non-polar, at codon 3254 of the ZNF469 protein (p.Pro3254Leu).

Ambry Genetics
Classification: Uncertain significance for Cardiovascular phenotype. Last evaluated: 2021-11-24. Review status: criteria provided, single submitter. Criteria: Ambry Variant Classification Scheme 2023. Collection method: clinical testing. Allele origin: germline.
Comment: The p.P3254L variant (also known as c.9761C>T), located in coding exon 2 of the ZNF469 gene, results from a C to T substitution at nucleotide position 9761. The proline at codon 3254 is replaced by leucine, an amino acid with similar properties. This amino acid position is conserved. In addition, this alteration is predicted to be tolerated by in silico analysis. Since supporting evidence is limited at this time, the clinical significance of this alteration remains unclear.